The following is an entry in ClinVar:

ClinVar aggregate classification (germline): Conflicting classifications of pathogenicity. Review status: criteria provided, conflicting classifications (1 of 4 stars). 4 submissions from 4 submitters: Uncertain significance (2); Likely benign (2). Last evaluated 2025-11-26.

Conditions:
Inborn genetic diseases. Identifiers: MedGen C0950123, MeSH D030342.
Familial episodic pain syndrome with predominantly lower limb involvement. Also called: Episodic pain syndrome, familial, 3. Identifiers: Orphanet 391384, Orphanet 391392, MedGen C3809899, MONDO:0014247, OMIM 615552.
Hereditary sensory and autonomic neuropathy type 7. Also called: Neuropathy, hereditary sensory and autonomic, type VII; HSAN VII. Identifiers: Orphanet 391397, MedGen C3809882, MONDO:0014244, OMIM 615548.

Allele frequency attached by ClinVar (database versions not stated): gnomAD exomes 0.00003; TOPMed 0.00003; ExAC 0.00005; gnomAD 0.00005.

Submissions (4):

Ambry Genetics
Classification: Likely benign for Inborn genetic diseases. Last evaluated: 2025-11-26. Review status: criteria provided, single submitter. Criteria: Ambry Variant Classification Scheme 2023. Collection method: clinical testing. Allele origin: germline.

Laboratory of Genetics, Children's Clinical University Hospital Latvia
Classification: Likely benign. Last evaluated: 2025-02-16. Review status: criteria provided, single submitter. Criteria: ACMG Guidelines, 2015. Collection method: clinical testing. Allele origin: germline. Affected: yes.

Labcorp Genetics (formerly Invitae), Labcorp
Classification: Uncertain significance for Familial episodic pain syndrome with predominantly lower limb involvement; Hereditary sensory and autonomic neuropathy type 7. Last evaluated: 2024-12-31. Review status: criteria provided, single submitter. Criteria: Invitae Variant Classification Sherloc (09022015). Collection method: clinical testing. Allele origin: germline.
Comment: This sequence change replaces arginine, which is basic and polar, with histidine, which is basic and polar, at codon 638 of the SCN11A protein (p.Arg638His). This variant is present in population databases (rs745884793, gnomAD 0.01%). This variant has not been reported in the literature in individuals affected with SCN11A-related conditions. ClinVar contains an entry for this variant (Variation ID: 1060572). Invitae Evidence Modeling of protein sequence and biophysical properties (such as structural, functional, and spatial information, amino acid conservation, physicochemical variation, residue mobility, and thermodynamic stability) indicates that this missense variant is not expected to disrupt SCN11A protein function with a negative predictive value of 80%. In summary, the available evidence is currently insufficient to determine the role of this variant in disease. Therefore, it has been classified as a Variant of Uncertain Significance.

CeGaT Center for Human Genetics Tuebingen
Classification: Uncertain significance. Last evaluated: 2024-09-01. Review status: criteria provided, single submitter. Criteria: CeGaT Center For Human Genetics Tuebingen Variant Classification Criteria Version 2. Collection method: clinical testing. Allele origin: germline. Affected: yes. Observed: 1 variant allele.

NM_001349253.2(SCN11A):c.1913G>A (p.Arg638His)

Gene: SCN11A (sodium voltage-gated channel alpha subunit 11; minus strand). Cytogenetic location: 3p22.2.
Variant type: single nucleotide variant.
Coding change: c.1913G>A on transcript NM_001349253.2 (MANE Select); coding-DNA position 1913, G replaced by A.
Protein change: p.Arg638His; replaces arginine 638 with histidine.
Molecular consequence: missense variant.
Genome position (GRCh38, 1-based): chr3:38,900,003, C>T on the plus strand (G>A on the coding strand, the complement: SCN11A is on the minus strand). VCF-style: chr3-38900003-C-T. GRCh37 (hg19) VCF-style: chr3-38941494-C-T.
Other names: c.1913G>A, p.Arg638His (NM_014139.3); c.1913G>A (NM_014139.2); short protein forms R638H.
Identifiers: ClinVar variation 1060572 (VCV001060572.19), dbSNP rs745884793, ClinGen allele CA2322173.